The following is an entry in ClinVar:

ClinVar aggregate classification (germline): Uncertain significance (1 of 4 stars; one submission).

Conditions:
Charcot-Marie-Tooth disease dominant intermediate B (CMTDIB). Also called: Charcot-Marie-Tooth disease dominant intermediate 1; CMT DI1; Charcot-Marie-Tooth disease dominant intermediate I; CHARCOT-MARIE-TOOTH NEUROPATHY, DOMINANT INTERMEDIATE B. Identifiers: Orphanet 100044, Orphanet 228179, MedGen C1847902, MONDO:0011674, OMIM 606482.

Submission:

Labcorp Genetics (formerly Invitae), Labcorp
Classification: Uncertain significance for Charcot-Marie-Tooth disease dominant intermediate B. Last evaluated: 2020-09-24. Review status: criteria provided, single submitter. Criteria: Invitae Variant Classification Sherloc (09022015). Collection method: clinical testing. Allele origin: germline.
Comment: This variant is not present in population databases (ExAC no frequency). In summary, the available evidence is currently insufficient to determine the role of this variant in disease. Therefore, it has been classified as a Variant of Uncertain Significance. Algorithms developed to predict the effect of sequence changes on RNA splicing suggest that this variant may create or strengthen a splice site, but this prediction has not been confirmed by published transcriptional studies. Algorithms developed to predict the effect of missense changes on protein structure and function are either unavailable or do not agree on the potential impact of this missense change (SIFT: "Tolerated"; PolyPhen-2: "Probably Damaging"; Align-GVGD: "Class C0"). This variant has not been reported in the literature in individuals with DNM2-related conditions. This sequence change replaces isoleucine with valine at codon 739 of the DNM2 protein (p.Ile739Val). The isoleucine residue is moderately conserved and there is a small physicochemical difference between isoleucine and valine.

NM_001005361.3(DNM2):c.2215A>G (p.Ile739Val)

Gene: DNM2 (dynamin 2; plus strand). Cytogenetic location: 19p13.2.
Variant type: single nucleotide variant.
Coding change: c.2215A>G on transcript NM_001005361.3 (MANE Select); coding-DNA position 2215, A replaced by G.
Protein change: p.Ile739Val; replaces isoleucine 739 with valine.
Molecular consequence: missense variant.
Genome position (GRCh38, 1-based): chr19:10,829,192, A>G. VCF-style: chr19-10829192-A-G. GRCh37 (hg19) VCF-style: chr19-10939868-A-G.
Other names: c.2215A>G, p.Ile739Val (NM_001005360.3, NM_001190716.2); c.2203A>G, p.Ile735Val (NM_001005362.3, NM_004945.4); short protein forms I735V, I739V.
Identifiers: ClinVar variation 1044293 (VCV001044293.8), dbSNP rs2073249809, ClinGen allele CA404043096.